The following is an entry in ClinVar:

NM_000414.4(HSD17B4):c.458C>T (p.Ser153Leu)

Gene: HSD17B4 (hydroxysteroid 17-beta dehydrogenase 4; plus strand). Cytogenetic location: 5q23.1.
Variant type: single nucleotide variant.
Coding change: c.458C>T on transcript NM_000414.4 (MANE Select); coding-DNA position 458, C replaced by T.
Protein change: p.Ser153Leu; replaces serine 153 with leucine.
Molecular consequence: missense variant. On other transcripts: non-coding transcript variant (2).
Genome position (GRCh38, 1-based): chr5:119,478,857, C>T. VCF-style: chr5-119478857-C-T. GRCh37 (hg19) VCF-style: chr5-118814552-C-T.
Other names: c.533C>T, p.Ser178Leu (NM_001199291.3); c.404C>T, p.Ser135Leu (NM_001199292.2); c.386C>T, p.Ser129Leu (NM_001292027.2); c.38C>T, p.Ser13Leu (NM_001292028.2); c.449C>T, p.Ser150Leu (NM_001374497.1); c.458C>T, p.Ser153Leu (NM_001374498.1); c.131C>T, p.Ser44Leu (NM_001374499.1); c.17C>T, p.Ser6Leu (NM_001374500.1); and 1 more; short protein forms S129L, S135L, S13L, S150L, S153L, S16L, S178L, S44L.
Identifiers: ClinVar variation 1335590 (VCV001335590.36), dbSNP rs2126702555, ClinGen allele CA360866104.

ClinVar aggregate classification (germline): Uncertain significance. Review status: criteria provided, multiple submitters, no conflicts (2 of 4 stars). 2 submissions from 2 submitters: Uncertain significance (2). Last evaluated 2025-06-20.

Allele frequency attached by ClinVar (database versions not stated): gnomAD exomes below 0.00001.
gnomAD v4.1: 1 of 1,613,446 alleles (0.000062%); highest among the groups gnomAD compares: African/African-American, 0.0013%; no homozygotes.

Submissions (2):

Women's Health and Genetics/Laboratory Corporation of America, LabCorp
Classification: Uncertain significance. Last evaluated: 2025-06-20. Review status: criteria provided, single submitter. Criteria: LabCorp Variant Classification Summary - May 2015. Collection method: clinical testing. Allele origin: germline.
Comment: Variant summary: HSD17B4 c.458C>T (p.Ser153Leu) results in a non-conservative amino acid change in the encoded protein sequence. Algorithms developed to predict the effect of missense changes on protein structure and function all suggest that this variant is likely to be disruptive. The variant was absent in 250990 control chromosomes. c.458C>T has been observed in a homozygous individual affected with D-Bifunctional Protein Deficiency (Ferdinandusse_2006). These data indicate that the variant may be associated with disease. At least one publication reports experimental evidence evaluating an impact on protein function, however, the variant protein could not be studied with respect to its enzymatic properties as it rapidly degraded after purification following expression in E.coli (Mehtala_2013). The following publications have been ascertained in the context of this evaluation (PMID: 16385454, 23308274). ClinVar contains an entry for this variant (Variation ID: 1335590). Based on the evidence outlined above, the variant was classified as VUS-possibly pathogenic.

CeGaT Center for Human Genetics Tuebingen
Classification: Uncertain significance. Last evaluated: 2021-12-01. Review status: criteria provided, single submitter. Criteria: CeGaT Center For Human Genetics Tuebingen Variant Classification Criteria Version 2. Collection method: clinical testing. Allele origin: germline. Affected: yes. Observed: 1 variant allele.

Literature cited by the submitters: PubMed 16385454 (cited by Women's Health and Genetics/Laboratory Corporation of America, LabCorp); PubMed 23308274 (cited by Women's Health and Genetics/Laboratory Corporation of America, LabCorp).